The following is an entry in ClinVar:

ClinVar aggregate classification (germline): Pathogenic (1 of 4 stars; one submission).

Conditions:
Hereditary cancer-predisposing syndrome. Also called: Neoplastic Syndromes, Hereditary; Hereditary neoplastic syndrome; Tumor predisposition; Hereditary Cancer Syndrome. Identifiers: Orphanet 140162, MedGen C0027672, MeSH D009386, MONDO:0015356.

Submission:

Ambry Genetics
Classification: Pathogenic for Hereditary cancer-predisposing syndrome. Last evaluated: 2026-02-10. Review status: criteria provided, single submitter. Criteria: Ambry Variant Classification Scheme 2023. Collection method: clinical testing. Allele origin: germline.
Comment: The c.357dupC pathogenic mutation, located in coding exon 5 of the BAP1 gene, results from a duplication of C at nucleotide position 357, causing a translational frameshift with a predicted alternate stop codon (p.K120Qfs*6). This variant was reported in individual(s) with features consistent with BAP1-related tumor predisposition syndrome (Ambry internal data). This variant is considered to be rare based on population cohorts in the Genome Aggregation Database (gnomAD). This alteration is expected to result in loss of function by premature protein truncation or nonsense-mediated mRNA decay. As such, this alteration is interpreted as a disease-causing mutation.

NM_004656.4(BAP1):c.357dup (p.Lys120fs)

Gene: BAP1 (BRCA1 associated deubiquitinase 1; minus strand). Cytogenetic location: 3p21.1.
Variant type: Duplication.
Coding change: c.357dup on transcript NM_004656.4 (MANE Select); coding-DNA position 357, one base duplicated (C; older notation c.357dupC).
Protein change: p.Lys120fs; shifts the reading frame from lysine 120.
Molecular consequence: frameshift variant.
Genome position (GRCh38, 1-based): chr3:52,407,976, G duplicated on the plus strand (C on the coding strand, the reverse complement: BAP1 is on the minus strand); the first of 2 consecutive G bases (chr3:52,407,976-52,407,977); duplicating either gives the same sequence. VCF-style (leftmost placement, unchanged base first): chr3-52407975-T-TG. GRCh37 (hg19) VCF-style: chr3-52441991-T-TG.
Other names: c.357dupC (NM_004656.2); c.357dup, p.Lys120fs (NM_001410772.1); short protein forms K120fs.
Identifiers: ClinVar variation 4824094 (VCV004824094.1).